The following is an entry in ClinVar:

ClinVar aggregate classification (germline): Uncertain significance (1 of 4 stars; one submission).

Conditions:
Birt-Hogg-Dube syndrome. Also called: Birt Hogg Dubé syndrome. Identifiers: Orphanet 122, MedGen C0346010, MONDO:0800444.

Submission:

Labcorp Genetics (formerly Invitae), Labcorp
Classification: Uncertain significance for Birt-Hogg-Dube syndrome. Last evaluated: 2023-10-04. Review status: criteria provided, single submitter. Criteria: Invitae Variant Classification Sherloc (09022015). Collection method: clinical testing. Allele origin: germline.
Comment: This sequence change falls in intron 4 of the FLCN gene. It does not directly change the encoded amino acid sequence of the FLCN protein. It affects a nucleotide within the consensus splice site. This variant is not present in population databases (gnomAD no frequency). This variant has not been reported in the literature in individuals affected with FLCN-related conditions. ClinVar contains an entry for this variant (Variation ID: 1511952). Variants that disrupt the consensus splice site are a relatively common cause of aberrant splicing (PMID: 17576681, 9536098). Algorithms developed to predict the effect of sequence changes on RNA splicing suggest that this variant may create or strengthen a splice site. In summary, the available evidence is currently insufficient to determine the role of this variant in disease. Therefore, it has been classified as a Variant of Uncertain Significance.

Literature cited by the submitters: PubMed 17576681; PubMed 9536098.

NM_144997.7(FLCN):c.249+3A>G

Gene: FLCN (folliculin; minus strand). Cytogenetic location: 17p11.2.
Variant type: single nucleotide variant.
Coding change: c.249+3A>G on transcript NM_144997.7 (MANE Select); 3 bases into the intron after coding-DNA position 249, A replaced by G.
Molecular consequence: intron variant.
Genome position (GRCh38, 1-based): chr17:17,227,886, T>C on the plus strand (A>G on the coding strand, the complement: FLCN is on the minus strand). VCF-style: chr17-17227886-T-C. GRCh37 (hg19) VCF-style: chr17-17131200-T-C.
Other names: c.249+3A>G (NM_001353231.2, NM_001353230.2, NM_001353229.2 and 1 more transcripts).
Identifiers: ClinVar variation 1511952 (VCV001511952.6), dbSNP rs2145038163, ClinGen allele CA2573153075.